The following is an entry in ClinVar:

ClinVar aggregate classification (germline): Uncertain significance. Review status: criteria provided, multiple submitters, no conflicts (2 of 4 stars). 2 submissions from 2 submitters: Uncertain significance (2). Last evaluated 2025-12-16.

Conditions:
Inborn genetic diseases. Identifiers: MedGen C0950123, MeSH D030342.

gnomAD v4.1: 17 of 1,612,734 alleles (0.0011%); highest among the groups gnomAD compares: Middle Eastern, 0.016%; no homozygotes.

Submissions (2):

Ambry Genetics
Classification: Uncertain significance for Inborn genetic diseases. Last evaluated: 2025-12-16. Review status: criteria provided, single submitter. Criteria: Ambry Variant Classification Scheme 2023. Collection method: clinical testing. Allele origin: germline.

Labcorp Genetics (formerly Invitae), Labcorp
Classification: Uncertain significance. Last evaluated: 2023-12-06. Review status: criteria provided, single submitter. Criteria: Invitae Variant Classification Sherloc (09022015). Collection method: clinical testing. Allele origin: germline.
Comment: This sequence change replaces arginine, which is basic and polar, with tryptophan, which is neutral and slightly polar, at codon 62 of the ADAMTS10 protein (p.Arg62Trp). This variant is present in population databases (rs370636862, gnomAD 0.003%). This variant has not been reported in the literature in individuals affected with ADAMTS10-related conditions. ClinVar contains an entry for this variant (Variation ID: 2060046). An algorithm developed to predict the effect of missense changes on protein structure and function (PolyPhen-2) suggests that this variant is likely to be disruptive. In summary, the available evidence is currently insufficient to determine the role of this variant in disease. Therefore, it has been classified as a Variant of Uncertain Significance.

NM_030957.4(ADAMTS10):c.184C>T (p.Arg62Trp)

Gene: ADAMTS10 (ADAM metallopeptidase with thrombospondin type 1 motif 10; minus strand). Cytogenetic location: 19p13.2.
Variant type: single nucleotide variant.
Coding change: c.184C>T on transcript NM_030957.4 (MANE Select); coding-DNA position 184, C replaced by T.
Protein change: p.Arg62Trp; replaces arginine 62 with tryptophan.
Molecular consequence: missense variant.
Genome position (GRCh38, 1-based): chr19:8,605,263, G>A on the plus strand (C>T on the coding strand, the complement: ADAMTS10 is on the minus strand). VCF-style: chr19-8605263-G-A. GRCh37 (hg19) VCF-style: chr19-8670148-G-A.
Other names: c.184C>T (NM_030957.2); short protein forms R62W.
Identifiers: ClinVar variation 2060046 (VCV002060046.3), dbSNP rs370636862, ClinGen allele CA9160911.
Genomic context (GRCh38, chr19:8,605,263, plus strand): 5'-AGGCCACTTTGTAGAAGAGGCGGGACTCGGCTGTGGCCCCCGTGCCGCGGCGCTGCCTCC[G>A]GGGAGGAGGTGGCGAGAAGGCCAGCAGTGCCCCGTTGTGGTCCACGCGGGTGGGGAAGGC-3'
Protein context (NP_112219.3, residues 52-72): ALLAFSPPPP[Arg62Trp]RQRRGTGATA